The following is an entry in ClinVar:

NM_006690.4(MMP24):c.140C>T (p.Pro47Leu)

Genes: MMP24 (matrix metallopeptidase 24; plus strand), MMP24-AS1-EDEM2 (MMP24-AS1-EDEM2 readthrough; minus strand). Cytogenetic location: 20q11.22.
Variant type: single nucleotide variant.
Coding change: c.140C>T on transcript NM_006690.4 (MANE Select); coding-DNA position 140, C replaced by T.
Protein change: p.Pro47Leu; replaces proline 47 with leucine.
Molecular consequence: missense variant. On other transcripts: intron variant (1).
Genome position (GRCh38, 1-based): chr20:35,226,878, C>T. VCF-style: chr20-35226878-C-T. GRCh37 (hg19) VCF-style: chr20-33814681-C-T.
Other names: c.-351-8817G>A (NM_001355008.2); short protein forms P47L.
Identifiers: ClinVar variation 3295334 (VCV003295334.1).

ClinVar aggregate classification (germline): Uncertain significance (1 of 4 stars; one submission).

gnomAD v4.1: 10 of 979,112 alleles (0.001%); highest among the groups gnomAD compares: Non-Finnish European, 0.0012%; 1 homozygote.

Submission:

Ambry Genetics
Classification: Uncertain significance. Last evaluated: 2024-04-12. Review status: criteria provided, single submitter. Criteria: Ambry Variant Classification Scheme 2023. Collection method: clinical testing. Allele origin: germline.
Comment: The c.140C>T (p.P47L) alteration is located in exon (coding exon ) of the MMP24 gene. This alteration results from a C to T substitution at nucleotide position 140, causing the proline (P) at amino acid position 47 to be replaced by a leucine (L). Based on insufficient or conflicting evidence, the clinical significance of this alteration remains unclear.